The following is an entry in ClinVar:

ClinVar aggregate classification (germline): Uncertain significance (1 of 4 stars; one submission).

Conditions:
Familial thoracic aortic aneurysm and aortic dissection (TAAD). Also called: Thoracic aortic aneurysms and dissections. Identifiers: Orphanet 91387, MedGen C4707243, MONDO:0019625.

Submission:

All of Us Research Program, National Institutes of Health
Classification: Uncertain significance for Familial thoracic aortic aneurysm and aortic dissection. Last evaluated: 2023-07-19. Review status: criteria provided, single submitter. Criteria: ACMG Guidelines, 2015. Collection method: clinical testing. Allele origin: germline. Inheritance: Autosomal dominant inheritance. Observed: 1 variant allele, 1 heterozygote.
Comment: This missense variant replaces arginine with leucine at codon 631 of the MYH11 protein. Computational prediction suggests that this variant may have deleterious impact on protein structure and function (internally defined REVEL score threshold >= 0.7, PMID: 27666373). To our knowledge, functional studies have not been reported for this variant. This variant has not been reported in individuals affected with MYH11-related disorders in the literature. This variant has not been identified in the general population by the Genome Aggregation Database (gnomAD). The available evidence is insufficient to determine the role of this variant in disease conclusively. Therefore, this variant is classified as a Variant of Uncertain Significance.

This study involves interpretation of variants in research participants for the purpose of population health screening. Participant phenotype was not available at the time of variant classification. Additional details can be found in publication PMID: 35346344, PMCID: PMC8962531

NM_002474.3(MYH11):c.1871G>T (p.Arg624Leu)

Gene: MYH11 (myosin heavy chain 11; minus strand). Cytogenetic location: 16p13.11.
Variant type: single nucleotide variant.
Coding change: c.1871G>T on transcript NM_002474.3 (MANE Select); coding-DNA position 1871, G replaced by T.
Protein change: p.Arg624Leu; replaces arginine 624 with leucine.
Molecular consequence: missense variant.
Genome position (GRCh38, 1-based): chr16:15,750,325, C>A on the plus strand (G>T on the coding strand, the complement: MYH11 is on the minus strand). VCF-style: chr16-15750325-C-A. GRCh37 (hg19) VCF-style: chr16-15844182-C-A.
Other names: c.1892G>T, p.Arg631Leu (NM_001040113.2, NM_001040114.2); c.1871G>T, p.Arg624Leu (NM_022844.3); short protein forms R624L, R631L.
Identifiers: ClinVar variation 3072493 (VCV003072493.1), dbSNP rs201991156, ClinGen allele CA394869228.
Genomic context (GRCh38, chr16:15,750,325, plus strand): 5'-TTGGAGGCGCTGGGCAGCGAGCTCTCCGTCATCTTGGCCATCTGGTCCAGGCCCACGATG[C>A]GGTCCACTATGGGGCACAGCCAGGGTGGCATCAGCCTCTGGCCCACCCACCCCTAAATAG-3'
Protein context (NP_002465.1, residues 614-634): FVADLWKDVD[Arg624Leu]IVGLDQMAKM